The following is an entry in ClinVar:

ClinVar aggregate classification (germline): Uncertain significance (1 of 4 stars; one submission).

Conditions:
RYR1-related disorder. Also called: RYR1-related condition; RYR1-related disorders. Identifiers: MedGen CN239331.

Allele frequency attached by ClinVar (database versions not stated): gnomAD exomes below 0.00001.
gnomAD v4.1: 1 of 1,614,150 alleles (0.000062%); highest among the groups gnomAD compares: East Asian, 0.0022%; no homozygotes.

Submission:

Labcorp Genetics (formerly Invitae), Labcorp
Classification: Uncertain significance for RYR1-related disorder. Last evaluated: 2022-08-16. Review status: criteria provided, single submitter. Criteria: Invitae Variant Classification Sherloc (09022015). Collection method: clinical testing. Allele origin: germline.
Comment: This sequence change replaces methionine, which is neutral and non-polar, with isoleucine, which is neutral and non-polar, at codon 2700 of the RYR1 protein (p.Met2700Ile). This variant is not present in population databases (gnomAD no frequency). This variant has not been reported in the literature in individuals affected with RYR1-related conditions. ClinVar contains an entry for this variant (Variation ID: 1366291). Advanced modeling of protein sequence and biophysical properties (such as structural, functional, and spatial information, amino acid conservation, physicochemical variation, residue mobility, and thermodynamic stability) performed at Invitae indicates that this missense variant is not expected to disrupt RYR1 protein function. In summary, the available evidence is currently insufficient to determine the role of this variant in disease. Therefore, it has been classified as a Variant of Uncertain Significance.

NM_000540.3(RYR1):c.8100G>A (p.Met2700Ile)

Gene: RYR1 (ryanodine receptor 1; plus strand). Cytogenetic location: 19q13.2.
Variant type: single nucleotide variant.
Coding change: c.8100G>A on transcript NM_000540.3 (MANE Select); coding-DNA position 8100, G replaced by A.
Protein change: p.Met2700Ile; replaces methionine 2700 with isoleucine.
Molecular consequence: missense variant.
Genome position (GRCh38, 1-based): chr19:38,504,780, G>A. VCF-style: chr19-38504780-G-A. GRCh37 (hg19) VCF-style: chr19-38995420-G-A.
Other names: c.8100G>A, p.Met2700Ile (NM_001042723.2); short protein forms M2700I.
Identifiers: ClinVar variation 1366291 (VCV001366291.5), dbSNP rs2145628771, ClinGen allele CA405676558.
Genomic context (GRCh38, chr19:38,504,780, plus strand): 5'-CTACCCCTGCTTCACCCGGTTTTCCCAGAAATACGACCCGGAGCTGTACCGCATGGCCAT[G>A]CCTTGTCTGTGCGCCATTGCCGGGGCTCTGCCCCCCGACTATGTGGATGCCTCATACTCA-3'
Protein context (NP_000531.2, residues 2690-2710): KYDPELYRMA[Met2700Ile]PCLCAIAGAL